The following is an entry in ClinVar:

ClinVar aggregate classification (germline): Uncertain significance (1 of 4 stars; one submission).

Conditions:
PKHD1-related disorder. Also called: PKHD1-related condition.

Submission:

PreventionGenetics, part of Exact Sciences
Classification: Uncertain significance for PKHD1-related condition. Last evaluated: 2026-01-30. Review status: criteria provided, single submitter. Criteria: ACMG Guidelines, 2015. Collection method: clinical testing. Allele origin: germline.
Comment: The PKHD1 c.4126G>A variant is predicted to result in the amino acid substitution p.Ala1376Thr. To our knowledge, this variant has not been reported in the literature or in a large population database (gnomAD), indicating this variant is rare. At this time, the clinical significance of this variant is uncertain due to the absence of conclusive functional and genetic evidence.

NM_138694.4(PKHD1):c.4126G>A (p.Ala1376Thr)

Gene: PKHD1 (PKHD1 ciliary IPT domain containing fibrocystin/polyductin; minus strand). Cytogenetic location: 6p12.2.
Variant type: single nucleotide variant.
Coding change: c.4126G>A on transcript NM_138694.4 (MANE Select); coding-DNA position 4126, G replaced by A.
Protein change: p.Ala1376Thr; replaces alanine 1376 with threonine.
Molecular consequence: missense variant.
Genome position (GRCh38, 1-based): chr6:52,025,684, C>T on the plus strand (G>A on the coding strand, the complement: PKHD1 is on the minus strand). VCF-style: chr6-52025684-C-T. GRCh37 (hg19) VCF-style: chr6-51890482-C-T.
Other names: c.4126G>A, p.Ala1376Thr (NM_170724.3); short protein forms A1376T.
Identifiers: ClinVar variation 4992196 (VCV004992196.1).